The following is an entry in ClinVar:

ClinVar aggregate classification (germline): Pathogenic/Likely pathogenic. Review status: criteria provided, multiple submitters, no conflicts (2 of 4 stars). 6 submissions from 6 submitters: Pathogenic (5); Likely pathogenic (1). Last evaluated 2026-01-18.

Conditions:
ALPL-related disorder. Also called: ALPL-related disorders; ALPL-related condition.
Adult hypophosphatasia. Identifiers: Orphanet 247676, Orphanet 436, MedGen C0268413, MONDO:1010154, OMIM 146300, MONDO:0007798.
Hypophosphatasia. Also called: Phosphoethanol-aminuria. Identifiers: Orphanet 436, MedGen C0020630, MeSH D007014, MONDO:0018570.

Submissions (6):

Labcorp Genetics (formerly Invitae), Labcorp
Classification: Pathogenic. Last evaluated: 2026-01-18. Review status: criteria provided, single submitter. Criteria: Invitae Variant Classification Sherloc (09022015). Collection method: clinical testing. Allele origin: germline.
Comment: This sequence change creates a premature translational stop signal (p.Arg272Alafs*5) in the ALPL gene. It is expected to result in an absent or disrupted protein product. Loss-of-function variants in ALPL are known to be pathogenic (PMID: 3174660, 10679946, 32973344, 33814268). This variant is not present in population databases (gnomAD no frequency). This premature translational stop signal has been observed in individual(s) with clinical features of hypophosphatasia (PMID: 29236161). ClinVar contains an entry for this variant (Variation ID: 1916165). For these reasons, this variant has been classified as Pathogenic.

Genomenon, Inc
Classification: Pathogenic for Hypophosphatasia. Last evaluated: 2025-08-29. Review status: criteria provided, single submitter. Criteria: Genomenon Sequence Variant Interpretation Standards. Collection method: curation. Allele origin: germline. Affected: yes.
Comment: ALPL p.Arg272AlafsTer5 (c.814del) is a frameshift variant that results in the production of a truncated protein which is predicted to undergo nonsense-mediated mRNA decay. This variant has been observed in at least one proband affected with hypophosphatasia (PMID:29236161). It is absent or not present at a significant frequency in gnomAD. In conclusion, we classify ALPL p.Arg272AlafsTer5 (c.814del) as a pathogenic variant.

PreventionGenetics, part of Exact Sciences
Classification: Pathogenic for ALPL-related condition. Last evaluated: 2025-02-04. Review status: criteria provided, single submitter. Criteria: ACMG Guidelines, 2015. Collection method: clinical testing. Allele origin: germline.
Comment: The ALPL c.814delC variant is predicted to result in a frameshift and premature protein termination (p.Arg272Alafs*5). This variant has been reported in the compound heterozygous state in an individual with suspected hypophosphatasia (Mornet et al. 2020. PubMed ID: 32973344). This variant has not been reported in a large population database (gnomAD), indicating this variant is rare. Frameshift variants in ALPL are expected to be pathogenic. This variant is interpreted as pathogenic.

Natera, Inc.
Classification: Pathogenic for Hypophosphatasia. Last evaluated: 2024-04-02. Review status: criteria provided, single submitter. Criteria: Natera Variant Classification Schema (03/2026). Collection method: clinical testing. Allele origin: germline.
Comment: The c.814delC variant in ALPL is a frameshift variant predicted to shift the reading frame beginning at codon 272 and leads to a stop codon 5 codons downstream. This variant is expected to result in nonsense mediated decay, truncation, or a dysfunctional protein product. This variant is rare in the general population with a frequency below the threshold expected for the associated phenotype(s). This variant has been observed in one or more individuals affected with the associated recessive disease, as either homozygous or compound heterozygous with a second variant (PMID: 32160374). Given the available evidence, this variant is classified as Pathogenic.

Baylor Genetics
Classification: Likely pathogenic for Adult hypophosphatasia. Last evaluated: 2023-11-30. Review status: criteria provided, single submitter. Criteria: ACMG Guidelines, 2015. Collection method: clinical testing. Allele origin: unknown.

JKU Lab, Dept of Paediatrics, Johannes Kepler University
Classification: Pathogenic for Hypophosphatasia. Review status: criteria provided, single submitter. Criteria: ACMG Guidelines, 2015. Collection method: curation. Allele origin: germline. Affected: yes.
Comment: This frameshift variant is present in GnomAD 4.1 (f = 0.000005932 in the European, non-Finnish population) and affects a highly conserved amino acid in the calcium site domain. This variant has been reported in the literature in individuals affected with ALPL-related conditions (PMID:32973344;PMID:29236161).

Literature cited by the submitters: PubMed 3174660 (cited by Labcorp Genetics (formerly Invitae), Labcorp); PubMed 10679946 (cited by Labcorp Genetics (formerly Invitae), Labcorp); PubMed 32973344 (cited by Labcorp Genetics (formerly Invitae), Labcorp and JKU Lab, Dept of Paediatrics, Johannes Kepler University); PubMed 33814268 (cited by Labcorp Genetics (formerly Invitae), Labcorp); PubMed 29236161 (cited by 3 submitters); PubMed 32160374 (cited by Natera, Inc.).

NM_000478.6(ALPL):c.814del (p.Arg272fs)

Gene: ALPL (alkaline phosphatase, biomineralization associated; plus strand). Cytogenetic location: 1p36.12.
Variant type: Deletion.
Coding change: c.814del on transcript NM_000478.6 (MANE Select); coding-DNA position 814, one base deleted (C; older notation c.814delC).
Protein change: p.Arg272fs; shifts the reading frame from arginine 272.
Molecular consequence: frameshift variant.
Genome position (GRCh38, 1-based): chr1:21,570,326, C deleted; the last of 2 consecutive C bases (chr1:21,570,325-21,570,326); deleting either gives the same sequence. VCF-style (leftmost placement, unchanged base first): chr1-21570324-AC-A. GRCh37 (hg19) VCF-style: chr1-21896817-AC-A.
Other names: c.649del, p.Arg217fs (NM_001127501.4); c.583del, p.Arg195fs (NM_001177520.3); c.814del, p.Arg272fs (NM_001369803.2, NM_001369804.2, NM_001369805.2); c.814delC (NM_000478.5); short protein forms R195fs, R217fs, R272fs.
Identifiers: ClinVar variation 1916165 (VCV001916165.13), dbSNP rs2545324402, ClinGen allele CA2574253164.